The following is an entry in ClinVar:

NM_021813.4(BACH2):c.1837-8G>A

Gene: BACH2 (BACH transcriptional regulator 2; minus strand). Cytogenetic location: 6q15.
Variant type: single nucleotide variant.
Coding change: c.1837-8G>A on transcript NM_021813.4 (MANE Select); 8 bases into the intron before coding-DNA position 1837, G replaced by A.
Molecular consequence: intron variant.
Genome position (GRCh38, 1-based): chr6:89,938,358, C>T on the plus strand (G>A on the coding strand, the complement: BACH2 is on the minus strand). VCF-style: chr6-89938358-C-T. GRCh37 (hg19) VCF-style: chr6-90648077-C-T.
Other names: c.1837-8G>A (NM_001170794.2).
Identifiers: ClinVar variation 4778308 (VCV004778308.1).

ClinVar aggregate classification (germline): Uncertain significance (1 of 4 stars; one submission).

gnomAD v4.1: 9 of 1,604,882 alleles (0.00056%); highest among the groups gnomAD compares: Non-Finnish European, 0.00068%; no homozygotes.

Submission:

Labcorp Genetics (formerly Invitae), Labcorp
Classification: Uncertain significance. Last evaluated: 2025-02-11. Review status: criteria provided, single submitter. Criteria: Invitae Variant Classification Sherloc (09022015). Collection method: clinical testing. Allele origin: germline.
Comment: This sequence change falls in intron 7 of the BACH2 gene. It does not directly change the encoded amino acid sequence of the BACH2 protein. This variant is present in population databases (no rsID available, gnomAD 0.007%). This variant has not been reported in the literature in individuals affected with BACH2-related conditions. Algorithms developed to predict the effect of sequence changes on RNA splicing suggest that this variant may disrupt the consensus splice site. In summary, the available evidence is currently insufficient to determine the role of this variant in disease. Therefore, it has been classified as a Variant of Uncertain Significance.